The following is an entry in ClinVar:

ClinVar aggregate classification (germline): Uncertain significance (1 of 4 stars; one submission).

gnomAD v4.1: 10 of 1,612,172 alleles (0.00062%); no homozygotes.

Submission:

Labcorp Genetics (formerly Invitae), Labcorp
Classification: Uncertain significance. Last evaluated: 2026-01-01. Review status: criteria provided, single submitter. Criteria: Invitae Variant Classification Sherloc (09022015). Collection method: clinical testing. Allele origin: germline.
Comment: This sequence change replaces lysine, which is basic and polar, with asparagine, which is neutral and polar, at codon 718 of the TNNI3K protein (p.Lys718Asn). This variant is present in population databases (rs761459078, gnomAD 0.01%). This variant has not been reported in the literature in individuals affected with TNNI3K-related conditions. An algorithm developed to predict the effect of missense changes on protein structure and function (PolyPhen-2) suggests that this variant is likely to be tolerated. In summary, the available evidence is currently insufficient to determine the role of this variant in disease. Therefore, it has been classified as a Variant of Uncertain Significance.

NM_015978.3(TNNI3K):c.2154G>C (p.Lys718Asn)

Genes: FPGT-TNNI3K (FPGT-TNNI3K readthrough; plus strand), LRRC53 (leucine rich repeat containing 53; minus strand), TNNI3K (TNNI3 interacting kinase; plus strand). Cytogenetic location: 1p31.1.
Variant type: single nucleotide variant.
Coding change: c.2154G>C on transcript NM_015978.3 (MANE Select); coding-DNA position 2154, G replaced by C.
Protein change: p.Lys718Asn; replaces lysine 718 with asparagine.
Molecular consequence: missense variant. On other transcripts: intron variant (2).
Genome position (GRCh38, 1-based): chr1:74,489,221, G>C. VCF-style: chr1-74489221-G-C. GRCh37 (hg19) VCF-style: chr1-74954905-G-C.
Other names: c.2457G>C, p.Lys819Asn (NM_001112808.3); c.-8-8253C>G (NM_001364666.2); c.-26-5846C>G (NM_001382280.1); short protein forms K718N, K819N.
Identifiers: ClinVar variation 4713583 (VCV004713583.1).